The following is an entry in ClinVar:

ClinVar aggregate classification (germline): Uncertain significance. Review status: criteria provided, multiple submitters, no conflicts (2 of 4 stars). 5 submissions from 4 submitters: Uncertain significance (2). 3 of the submissions do not count toward it. Last evaluated 2024-07-19.

Conditions:
Combined oxidative phosphorylation deficiency 54 (COXPD54). Identifiers: MedGen C5676912, MONDO:0030543, OMIM 619737.
Perrault syndrome 1 (PRLTS1). Also called: GONADAL DYSGENESIS, XX TYPE, WITH DEAFNESS; OVARIAN DYSGENESIS WITH SENSORINEURAL DEAFNESS. Identifiers: Orphanet 2855, Orphanet 642945, MedGen C4551721, MONDO:0009300, OMIM 233400.
Childhood onset sensorineural hearing impairment. Identifiers: MedGen C4023340, HP:0011474.

Allele frequency attached by ClinVar (database versions not stated): gnomAD exomes 0.00013; 1000 Genomes Project 30x 0.00016; ExAC 0.00017; 1000 Genomes Project 0.00020; gnomAD 0.00023 and 0.00024; TOPMed 0.00031; ESP Exome Variant Server 0.00038.
gnomAD v4.1: 273 of 1,613,078 alleles (0.017%); highest among the groups gnomAD compares: African/African-American, 0.061%; no homozygotes.

Submissions (5):

Women's Health and Genetics/Laboratory Corporation of America, LabCorp
Classification: Uncertain significance. Last evaluated: 2024-07-19. Review status: criteria provided, single submitter. Criteria: LabCorp Variant Classification Summary - May 2015. Collection method: clinical testing. Allele origin: germline.
Comment: Variant summary: PRORP c.1235A>G (p.Asn412Ser) results in a conservative amino acid change located in the Protein-only RNase P, C-terminal domain (IPR031595) of the encoded protein sequence. Four of five in-silico tools predict a damaging effect of the variant on protein function. The variant allele was found at a frequency of 0.00014 in 282300 control chromosomes. This frequency is not significantly higher than estimated for a pathogenic variant in PRORP causing Combined Oxidative Phosphorylation Deficiency 54, allowing no conclusion about variant significance. c.1235A>G has been reported in the literature at a heterozygous change, along with an apparently benign missense, in one individual affected with Bilateral sensorineural hearing loss and resultant delayed speech and language (Hochberg_2021). These report(s) do not provide unequivocal conclusions about association of the variant with Combined Oxidative Phosphorylation Deficiency 54. At least two publications report experimental evidence evaluating an impact on protein function. The most pronounced variant effect results in 13%-25% of normal activity using a tRNA processing assay (Hochberg_2021, Smith_2023). The following publications have been ascertained in the context of this evaluation (PMID: 34715011, 37558808). ClinVar contains an entry for this variant (Variation ID: 1292047). Based on the evidence outlined above, the variant was classified as VUS-possibly pathogenic.

Ambry Genetics
Classification: Uncertain significance. Last evaluated: 2023-02-16. Review status: criteria provided, single submitter. Criteria: Ambry Variant Classification Scheme 2023. Collection method: clinical testing. Allele origin: germline.

OMIM
Classification: Pathogenic for COMBINED OXIDATIVE PHOSPHORYLATION DEFICIENCY 54. Last evaluated: 2024-03-11. Review status: no assertion criteria provided. Collection method: literature only. Allele origin: germline. Not counted in ClinVar's aggregate classification.

Manchester Centre for Genomic Medicine, The University of Manchester
Classification: Likely pathogenic for Childhood onset sensorineural hearing impairment. Last evaluated: 2021-09-23. Review status: no assertion criteria provided. Collection method: clinical testing. Allele origin: germline. Inheritance: Autosomal recessive inheritance. Affected: yes. Not counted in ClinVar's aggregate classification.

Manchester Centre for Genomic Medicine, The University of Manchester
Classification: Likely pathogenic for Perrault syndrome 1. Last evaluated: 2021-09-23. Review status: no assertion criteria provided. Collection method: clinical testing. Allele origin: germline. Inheritance: Autosomal recessive inheritance. Affected: yes. Not counted in ClinVar's aggregate classification.

Literature cited by the submitters: PubMed 34715011 (cited by Women's Health and Genetics/Laboratory Corporation of America, LabCorp and OMIM); PubMed 37558808 (cited by Women's Health and Genetics/Laboratory Corporation of America, LabCorp).

NM_014672.4(PRORP):c.1235A>G (p.Asn412Ser)

Genes: PRORP (protein only RNase P catalytic subunit; plus strand), PRORP-PSMA6 (PRORP-PSMA6 readthrough; plus strand). Cytogenetic location: 14q13.2.
Variant type: single nucleotide variant.
Coding change: c.1235A>G on transcript NM_014672.4 (MANE Select); coding-DNA position 1235, A replaced by G.
Protein change: p.Asn412Ser; replaces asparagine 412 with serine.
Molecular consequence: missense variant.
Genome position (GRCh38, 1-based): chr14:35,180,737, A>G. VCF-style: chr14-35180737-A-G. GRCh37 (hg19) VCF-style: chr14-35649943-A-G.
Other names: PRORP, ASN412SER (rs148259590); c.1187A>G, p.Asn396Ser (NM_001256678.2); c.950A>G, p.Asn317Ser (NM_001256679.2); c.119A>G, p.Asn40Ser (NM_001256680.2, NM_001256681.2); c.1235A>G (NM_014672.2); short protein forms N317S, N396S, N40S, N412S.
Identifiers: ClinVar variation 1292047 (VCV001292047.10), dbSNP rs148259590, ClinGen allele CA7154862.